The following is an entry in ClinVar:

Conditions:
Long QT syndrome 5 (LQT5). Identifiers: Orphanet 101016, Orphanet 768, MedGen C1867904, MONDO:0013372, OMIM 613695.

Submission:

Roden Lab, Vanderbilt University Medical Center
No classification provided (evidence only). Condition: Long QT syndrome 5. Review status: no classification provided. Collection method: in vitro. Allele origin: not applicable. Functional consequence: Effect on ion channel function.
ClinVar note: "not provided" was previously submitted as the classification for the variant. However, the classification appeared to be based only on an observation of functional data so it was converted to no classification on 2025-07-30.

NM_000219.6(KCNE1):c.101C>T (p.Ser34Phe)

Gene: KCNE1 (potassium voltage-gated channel subfamily E regulatory subunit 1; minus strand). Cytogenetic location: 21q22.12.
Variant type: single nucleotide variant.
Coding change: c.101C>T on transcript NM_000219.6 (MANE Select); coding-DNA position 101, C replaced by T.
Protein change: p.Ser34Phe; replaces serine 34 with phenylalanine.
Molecular consequence: missense variant.
Genome position (GRCh38, 1-based): chr21:34,449,534, G>A on the plus strand (C>T on the coding strand, the complement: KCNE1 is on the minus strand). VCF-style: chr21-34449534-G-A. GRCh37 (hg19) VCF-style: chr21-35821832-G-A.
Other names: c.101C>T, p.Ser34Phe (NM_001127668.4, NM_001127669.4, NM_001127670.4 and 4 more transcripts); short protein forms S34F.
Identifiers: ClinVar variation 3374052 (VCV003374052.2).
Genomic context (GRCh38, chr21:34,449,534, plus strand): 5'-AAGAATCCCAGTACCATGAGGACGTAGAGGGCCTCCAGCTTGCCGTCACTGCTGCGGGGG[G>A]ACCTGCGGGCCAGGCCCGACATGTTGCCACCCTGCTGAACTGTCTCCTGCCACAGCTTGG-3'
Protein context (NP_000210.2, residues 24-44): GGNMSGLARR[Ser34Phe]PRSSDGKLEA